The following is an entry in ClinVar:

ClinVar aggregate classification (germline): Pathogenic (1 of 4 stars; one submission).

Conditions:
Hereditary cancer-predisposing syndrome. Also called: Tumor predisposition; Hereditary Cancer Syndrome; Hereditary neoplastic syndrome; Neoplastic Syndromes, Hereditary. Identifiers: Orphanet 140162, MedGen C0027672, MeSH D009386, MONDO:0015356.

Submission:

GeneDx
Classification: Pathogenic for Neoplastic Syndromes, Hereditary. Last evaluated: 2014-07-25. Review status: criteria provided, single submitter. Criteria: GeneDx Variant Classification (06012015). Collection method: clinical testing. Allele origin: germline. Affected: yes.
Comment: This combined deletion and insertion is denoted APC c.5844_5850delinsGGAAAA at the cDNA level and p.Asp1948GlufsX22 (D1948EfsX22) at the protein level. The normal sequence, with the bases that are deleted and inserted in brackets, is CTGA{delTGAAAAG}{insGGAAAA}TTAC. The mutation causes a frameshift, which changes an Aspartic Acid to a Glutamic Acid at codon 1948 in exon 16, and creates a premature stop codon at position 22 of the new reading frame. Although this mutation has not, to our knowledge, been reported in the literature, it is predicted to cause protein truncation. We consider this mutation to be pathogenic and is indicative of a Familial Adenomatous Polyposis (FAP)-associated condition, and could manifest as either classic FAP and attenuated FAP (AFAP), both autosomal dominant conditions characterized by the development of many polyps as well as colorectal and other cancers. Individuals with classic FAP may develop hundreds to thousands of adenomatous polyps by age 35 and are diagnosed with colon cancer by the average age of 39. The age-related risk for colon cancer in untreated individuals is 7% by age 21, 87% by age 45, and 93% by age 50 (Jasperson 2010). Individuals with AFAP develop an average of about 30 polyps and are typically diagnosed with colon cancer between ages 50 and 55. Attenuated FAP is distinguished from classic FAP primarily by the difference in polyp burden and age at presentation. Although some regions of the APC gene are more strongly associated with AFAP than others, clinical presentation is the most appropriate way to determine a family's genetic condition at this point. Both FAP and AFAP have extra-colonic features, though the risks are much lower than for colon polyps and cancer. Both conditions confer a 5% risk for duodenal or periampullary cancer, and a 1-2% risk for stomach, thyroid, pancreatic cancer, medulloblastoma and hepatoblastoma, with the latter two seen predominantly in FAP, not AFAP (Jasperson 2012). About 10-30% of individuals with FAP display desmoids tumors. Upper gastrointestinal tract polyps and fundic gland polyps are present in most cases of classic FAP and AFAP. Gardner syndrome is a variant of FAP in which colonic polyposis are observed along with osteomas, epidermoid cysts, fibromas, and/or desmoid tumors. Approximately 20-25% of APC mutations are de novo, rather than inherited. The variant is found in COLO-HEREDIC panel(s).

NM_000038.5:c.5844_5845delTGAAAAGinsGGAAAA

Gene: APC (APC regulator of Wnt signaling pathway; plus strand). Cytogenetic location: 5q22.2.
Variant type: Insertion.
Identifiers: ClinVar variation 181836 (VCV000181836.1).